The following is an entry in ClinVar:

ClinVar aggregate classification (germline): Uncertain significance. Review status: criteria provided, multiple submitters, no conflicts (2 of 4 stars). 2 submissions from 2 submitters: Uncertain significance (2). Last evaluated 2025-10-02.

Allele frequency attached by ClinVar (database versions not stated): TOPMed 0.00001; gnomAD exomes 0.00002; ExAC 0.00001; gnomAD 0.00003.

Submissions (2):

Ambry Genetics
Classification: Uncertain significance. Last evaluated: 2025-10-02. Review status: criteria provided, single submitter. Criteria: Ambry Variant Classification Scheme 2023. Collection method: clinical testing. Allele origin: germline.

Labcorp Genetics (formerly Invitae), Labcorp
Classification: Uncertain significance. Last evaluated: 2025-04-29. Review status: criteria provided, single submitter. Criteria: Invitae Variant Classification Sherloc (09022015). Collection method: clinical testing. Allele origin: germline.
Comment: This sequence change replaces threonine, which is neutral and polar, with methionine, which is neutral and non-polar, at codon 359 of the POLD2 protein (p.Thr359Met). This variant is present in population databases (rs765515798, gnomAD 0.003%). This variant has not been reported in the literature in individuals affected with POLD2-related conditions. ClinVar contains an entry for this variant (Variation ID: 2743149). Experimental studies and prediction algorithms are not available or were not evaluated, and the functional significance of this variant is currently unknown. In summary, the available evidence is currently insufficient to determine the role of this variant in disease. Therefore, it has been classified as a Variant of Uncertain Significance.

NM_006230.4(POLD2):c.971C>T (p.Thr324Met)

Gene: POLD2 (DNA polymerase delta 2, accessory subunit; minus strand). Cytogenetic location: 7p13.
Variant type: single nucleotide variant.
Coding change: c.971C>T on transcript NM_006230.4 (MANE Select); coding-DNA position 971, C replaced by T.
Protein change: p.Thr324Met; replaces threonine 324 with methionine.
Molecular consequence: missense variant.
Genome position (GRCh38, 1-based): chr7:44,116,163, G>A on the plus strand (C>T on the coding strand, the complement: POLD2 is on the minus strand). VCF-style: chr7-44116163-G-A. GRCh37 (hg19) VCF-style: chr7-44155762-G-A.
Other names: c.971C>T, p.Thr324Met (NM_001127218.3, NM_001256879.2); c.971C>T (NM_001127218.1); short protein forms T324M.
Identifiers: ClinVar variation 2743149 (VCV002743149.4), dbSNP rs765515798, ClinGen allele CA4238670.